The following is an entry in ClinVar:

ClinVar aggregate classification (germline): Uncertain significance (1 of 4 stars; one submission).

Submission:

GeneDx
Classification: Uncertain significance. Last evaluated: 2025-04-24. Review status: criteria provided, single submitter. Criteria: GeneDx Variant Classification Process June 2021. Collection method: clinical testing. Allele origin: germline. Affected: yes.
Comment: Not observed at significant frequency in large population cohorts (gnomAD); In silico analysis supports that this missense variant has a deleterious effect on protein structure/function; Has not been previously published as pathogenic or benign to our knowledge

NM_004640.7(DDX39B):c.422C>G (p.Pro141Arg)

Genes: ATP6V1G2-DDX39B (ATP6V1G2-DDX39B readthrough (NMD candidate); minus strand), DDX39B (DExD-box helicase 39B; minus strand). Cytogenetic location: 6p21.33.
Variant type: single nucleotide variant.
Coding change: c.422C>G on transcript NM_004640.7 (MANE Select); coding-DNA position 422, C replaced by G.
Protein change: p.Pro141Arg; replaces proline 141 with arginine.
Molecular consequence: missense variant. On other transcripts: non-coding transcript variant (1).
Genome position (GRCh38, 1-based): chr6:31,538,773, G>C on the plus strand (C>G on the coding strand, the complement: DDX39B is on the minus strand). VCF-style: chr6-31538773-G-C. GRCh37 (hg19) VCF-style: chr6-31506550-G-C.
Other names: c.422C>G, p.Pro141Arg (NM_080598.6); short protein forms P141R.
Identifiers: ClinVar variation 4527631 (VCV004527631.1).